The following is an entry in ClinVar:

ClinVar aggregate classification (germline): Likely benign. Review status: criteria provided, multiple submitters, no conflicts (2 of 4 stars). 3 submissions from 3 submitters: Likely benign (3). Last evaluated 2026-03-01.

Conditions:
Malignant hyperthermia, susceptibility to, 1 (MHS1). Also called: RYR1-Related Malignant Hyperthermia Susceptibility; Anesthesia related hyperthermia; Malignant hyperpyrexia; Fulminating hyperpyrexia; Pharmacogenic myopathy; Malignant hyperthermia suceptibility 1. Identifiers: Orphanet 423, MedGen C2930980, MONDO:0007783, OMIM 145600.
RYR1-related disorder. Also called: RYR1-related disorders; RYR1-related condition. Identifiers: MedGen CN239331.

Allele frequency attached by ClinVar (database versions not stated): gnomAD exomes 0.00008; ExAC 0.00013; gnomAD 0.00013 and 0.00015; TOPMed 0.00014; ESP Exome Variant Server 0.00023; 1000 Genomes Project 30x 0.00062; 1000 Genomes Project 0.00080.
gnomAD v4.1: 93 of 1,560,508 alleles (0.006%); highest among the groups gnomAD compares: African/African-American, 0.033%; no homozygotes.

Submissions (3):

CeGaT Center for Human Genetics Tuebingen
Classification: Likely benign. Last evaluated: 2026-03-01. Review status: criteria provided, single submitter. Criteria: CeGaT Center For Human Genetics Tuebingen Variant Classification Criteria Version 2. Collection method: clinical testing. Allele origin: germline. Affected: yes. Observed: 2 variant alleles.
Comment: RYR1: BP4, BP7

Labcorp Genetics (formerly Invitae), Labcorp
Classification: Likely benign for RYR1-related disorder. Last evaluated: 2026-01-26. Review status: criteria provided, single submitter. Criteria: Invitae Variant Classification Sherloc (09022015). Collection method: clinical testing. Allele origin: germline.

Color Diagnostics, LLC DBA Color Health
Classification: Likely benign for Malignant hyperthermia, susceptibility to, 1. Last evaluated: 2023-05-12. Review status: criteria provided, single submitter. Criteria: ACMG Guidelines, 2015. Collection method: clinical testing. Allele origin: germline.

NM_000540.3(RYR1):c.4743C>T (p.Ser1581=)

Gene: RYR1 (ryanodine receptor 1; plus strand). Cytogenetic location: 19q13.2.
Variant type: single nucleotide variant.
Coding change: c.4743C>T on transcript NM_000540.3 (MANE Select); coding-DNA position 4743, C replaced by T.
Protein change: p.Ser1581=; no amino-acid change (serine 1581 retained).
Molecular consequence: synonymous variant.
Genome position (GRCh38, 1-based): chr19:38,483,325, C>T. VCF-style: chr19-38483325-C-T. GRCh37 (hg19) VCF-style: chr19-38973965-C-T.
Other names: c.4743C>T, p.Ser1581= (NM_001042723.2).
Identifiers: ClinVar variation 1487112 (VCV001487112.9), dbSNP rs370041876, ClinGen allele CA066416.